The following is an entry in ClinVar:

NM_177550.5(SLC13A5):c.-5G>C

Gene: SLC13A5 (solute carrier family 13 member 5; minus strand). Cytogenetic location: 17p13.1.
Variant type: single nucleotide variant.
Coding change: c.-5G>C on transcript NM_177550.5 (MANE Select); 5 bases upstream of the start codon, G replaced by C.
Molecular consequence: 5 prime UTR variant.
Genome position (GRCh38, 1-based): chr17:6,713,338, C>G on the plus strand (G>C on the coding strand, the complement: SLC13A5 is on the minus strand). VCF-style: chr17-6713338-C-G. GRCh37 (hg19) VCF-style: chr17-6616657-C-G.
Other names: c.-5G>C (NM_001143838.3, NM_001284509.2, NM_001284510.2).
Identifiers: ClinVar variation 516961 (VCV000516961.9), dbSNP rs201070767, ClinGen allele CA8331905.

ClinVar aggregate classification (germline): Benign. Review status: criteria provided, multiple submitters, no conflicts (2 of 4 stars). 4 submissions from 4 submitters: Benign (3). 1 of the submissions does not count toward it. Last evaluated 2021-07-15.

Conditions:
Developmental and epileptic encephalopathy, 25 (DEE25). Also called: Epileptic encephalopathy, early infantile, 25; Developmental and epileptic encephalopathy 25, with amelogenesis imperfecta; Epileptic encephalopathy, early infantile, 25, with amelogenesis imperfecta. Identifiers: Orphanet 442835, MedGen C4014621, MONDO:0014392, OMIM 615905.
Inborn genetic diseases. Identifiers: MedGen C0950123, MeSH D030342.
SLC13A5-related disorder. Also called: SLC13A5-related condition.

Allele frequency attached by ClinVar (database versions not stated): ESP Exome Variant Server 0.00062; TOPMed 0.00224; 1000 Genomes Project 30x 0.00422; 1000 Genomes Project 0.00519.
gnomAD v4.1: 1,237 of 1,613,340 alleles (0.077%); highest among the groups gnomAD compares: East Asian, 2%; 20 homozygotes.

Submissions (4):

Genome-Nilou Lab
Classification: Benign for Developmental and epileptic encephalopathy, 25. Last evaluated: 2021-07-15. Review status: criteria provided, single submitter. Criteria: ACMG Guidelines, 2015. Collection method: clinical testing. Allele origin: germline. Affected: no.

GeneDx
Classification: Benign. Last evaluated: 2017-06-09. Review status: criteria provided, single submitter. Criteria: GeneDx Variant Classification (06012015). Collection method: clinical testing. Allele origin: germline. Affected: yes.
Comment: This variant is considered likely benign or benign based on one or more of the following criteria: it is a conservative change, it occurs at a poorly conserved position in the protein, it is predicted to be benign by multiple in silico algorithms, and/or has population frequency not consistent with disease.

Ambry Genetics
Classification: Benign for Inborn genetic diseases. Last evaluated: 2016-06-10. Review status: criteria provided, single submitter. Criteria: Ambry Variant Classification Scheme 2023. Collection method: clinical testing. Allele origin: germline.

PreventionGenetics, part of Exact Sciences
Classification: Benign for SLC13A5-related condition. Last evaluated: 2019-08-09. Review status: no assertion criteria provided. Collection method: clinical testing. Allele origin: germline. Not counted in ClinVar's aggregate classification.
Comment: This variant is classified as benign based on ACMG/AMP sequence variant interpretation guidelines (Richards et al. 2015 PMID: 25741868, with internal and published modifications).